The following is an entry in ClinVar:

ClinVar aggregate classification (germline): Uncertain significance (1 of 4 stars; one submission).

Submission:

CeGaT Center for Human Genetics Tuebingen
Classification: Uncertain significance. Last evaluated: 2024-09-01. Review status: criteria provided, single submitter. Criteria: CeGaT Center For Human Genetics Tuebingen Variant Classification Criteria Version 2. Collection method: clinical testing. Allele origin: germline. Affected: yes. Observed: 1 variant allele.
Comment: DYNC1H1: PM2, PP2

NM_001376.5(DYNC1H1):c.1203G>T (p.Leu401Phe)

Gene: DYNC1H1 (dynein cytoplasmic 1 heavy chain 1; plus strand). Cytogenetic location: 14q32.31.
Variant type: single nucleotide variant.
Coding change: c.1203G>T on transcript NM_001376.5 (MANE Select); coding-DNA position 1203, G replaced by T.
Protein change: p.Leu401Phe; replaces leucine 401 with phenylalanine.
Molecular consequence: missense variant.
Genome position (GRCh38, 1-based): chr14:101,983,260, G>T. VCF-style: chr14-101983260-G-T. GRCh37 (hg19) VCF-style: chr14-102449597-G-T.
Other names: short protein forms L401F.
Identifiers: ClinVar variation 3389647 (VCV003389647.14).